The following is an entry in ClinVar:

ClinVar aggregate classification (germline): Likely pathogenic (1 of 4 stars; one submission).

Conditions:
Autosomal dominant nonsyndromic hearing loss 10. Identifiers: Orphanet 90635, MedGen C1832476, MONDO:0011031, OMIM 601316.

Submission:

Neuberg Centre For Genomic Medicine, NCGM
Classification: Likely pathogenic for Autosomal dominant nonsyndromic hearing loss 10. Last evaluated: 2023-06-22. Review status: criteria provided, single submitter. Criteria: ACMG Guidelines, 2015. Collection method: clinical testing. Allele origin: germline. Inheritance: Autosomal dominant inheritance. Affected: yes.
Comment: The observed frameshift variant c.905del(p.Gly302AlafsTer18) in the EYA4 gene has not been reported previously as a pathogenic variant nor as a benign variant, to our knowledge. This variant is absent in the gnomAD Exomes. This variant causes a frameshift starting with codon Glycine 302, changes this amino acid to Alanine residue, and creates a premature Stop codon at position 18 of the new reading frame, denoted p.Gly302AlafsTer18. This variant is predicted to cause loss of normal protein function through protein truncation. Loss of function variants have been previously reported to be disease causing (Huang A, et al., 2015). For these reasons, this variant has been classified as Likely Pathogenic.

NM_004100.5(EYA4):c.905del (p.Gly302fs)

Gene: EYA4 (EYA transcriptional coactivator and phosphatase 4; plus strand). Cytogenetic location: 6q23.2.
Variant type: Deletion.
Coding change: c.905del on transcript NM_004100.5 (MANE Select); coding-DNA position 905, one base deleted (G; older notation c.905delG).
Protein change: p.Gly302fs; shifts the reading frame from glycine 302.
Molecular consequence: frameshift variant.
Genome position (GRCh38, 1-based): chr6:133,468,666, G deleted; the last of 2 consecutive G bases (chr6:133,468,665-133,468,666); deleting either gives the same sequence. VCF-style (leftmost placement, unchanged base first): chr6-133468664-TG-T. GRCh37 (hg19) VCF-style: chr6-133789802-TG-T.
Other names: c.743del, p.Gly248fs (NM_001301012.2, NM_001370459.1); c.905del, p.Gly302fs (NM_001301013.2, NM_172105.4); c.836del, p.Gly279fs (NM_001370458.1, NM_172103.4); short protein forms G248fs, G279fs, G302fs.
Identifiers: ClinVar variation 3377569 (VCV003377569.1).